The following is an entry in ClinVar:

ClinVar aggregate classification (germline): Pathogenic (1 of 4 stars; one submission).

Conditions:
Hypertrophic cardiomyopathy 26. Also called: Cardiomyopathy, familial hypertrophic, 26. Identifiers: Orphanet 75249, MedGen C4310749, MONDO:0014883, OMIM 617047.
Myofibrillar myopathy 5. Also called: FILAMINOPATHY, AUTOSOMAL DOMINANT; Filaminopathy (type). Identifiers: Orphanet 171445, MedGen C1836050, MONDO:0012289, OMIM 609524.
Distal myopathy with posterior leg and anterior hand involvement. Also called: WILLIAMS DISTAL MYOPATHY. Identifiers: Orphanet 63273, MedGen C3279722, MONDO:0013550, OMIM 614065.

Submission:

Labcorp Genetics (formerly Invitae), Labcorp
Classification: Pathogenic for Distal myopathy with posterior leg and anterior hand involvement; Myofibrillar myopathy 5; Hypertrophic cardiomyopathy 26. Last evaluated: 2025-01-30. Review status: criteria provided, single submitter. Criteria: Invitae Variant Classification Sherloc (09022015). Collection method: clinical testing. Allele origin: germline.
Comment: This sequence change creates a premature translational stop signal (p.Ile1226Profs*45) in the FLNC gene. It is expected to result in an absent or disrupted protein product. Loss-of-function variants in FLNC are known to be pathogenic (PMID: 27908349). This variant is not present in population databases (gnomAD no frequency). This variant has not been reported in the literature in individuals affected with FLNC-related conditions. ClinVar contains an entry for this variant (Variation ID: 960819). For these reasons, this variant has been classified as Pathogenic.

Literature cited by the submitters: PubMed 27908349.

NM_001458.5(FLNC):c.3670_3671dup (p.Ile1226fs)

Gene: FLNC (filamin C; plus strand). Cytogenetic location: 7q32.1.
Variant type: Duplication.
Coding change: c.3670_3671dup on transcript NM_001458.5 (MANE Select); coding-DNA positions 3670 to 3671, 2 bases duplicated (TA; older notation c.3670_3671dupTA).
Protein change: p.Ile1226fs; shifts the reading frame from isoleucine 1226.
Molecular consequence: frameshift variant.
Genome position (GRCh38, 1-based): chr7:128,845,135-128,845,136, TA duplicated. VCF-style (leftmost placement, unchanged base first): chr7-128845134-C-CTA. GRCh37 (hg19) VCF-style: chr7-128485188-C-CTA.
Other names: c.3670_3671dup, p.Ile1226fs (NM_001127487.2); short protein forms I1226fs.
Identifiers: ClinVar variation 960819 (VCV000960819.8), dbSNP rs1808505973, ClinGen allele CA1139660253.